The following is an entry in ClinVar:

ClinVar aggregate classification (germline): Uncertain significance (1 of 4 stars; one submission).

Conditions:
Progressive microcephaly-seizures-cortical blindness-developmental delay syndrome. Also called: Seizures, cortical blindness, and microcephaly syndrome. Identifiers: Orphanet 477814, MedGen C5567650, MONDO:0014714, OMIM 616632.
Autosomal dominant nonsyndromic hearing loss 1. Also called: KONIGSMARK SYNDROME; DEAFNESS, AUTOSOMAL DOMINANT 1, WITH OR WITHOUT THROMBOCYTOPENIA. Identifiers: Orphanet 90635, MedGen C1852282, MONDO:0007424, OMIM 124900.

Allele frequency attached by ClinVar (database versions not stated): gnomAD exomes below 0.00001; TOPMed below 0.00001; gnomAD 0.00001; ExAC 0.00002.
gnomAD v4.1: 5 of 1,613,432 alleles (0.00031%); highest among the groups gnomAD compares: Non-Finnish European, 0.00034%; no homozygotes.

Submission:

Labcorp Genetics (formerly Invitae), Labcorp
Classification: Uncertain significance for Progressive microcephaly-seizures-cortical blindness-developmental delay syndrome; Autosomal dominant nonsyndromic hearing loss 1. Last evaluated: 2023-02-09. Review status: criteria provided, single submitter. Criteria: Invitae Variant Classification Sherloc (09022015). Collection method: clinical testing. Allele origin: germline.
Comment: In summary, the available evidence is currently insufficient to determine the role of this variant in disease. Therefore, it has been classified as a Variant of Uncertain Significance. Algorithms developed to predict the effect of missense changes on protein structure and function are either unavailable or do not agree on the potential impact of this missense change (SIFT: "Deleterious"; PolyPhen-2: "Benign"; Align-GVGD: "Class C0"). This sequence change replaces glutamine, which is neutral and polar, with arginine, which is basic and polar, at codon 832 of the DIAPH1 protein (p.Gln832Arg). This variant is present in population databases (rs777132588, gnomAD 0.002%). This variant has not been reported in the literature in individuals affected with DIAPH1-related conditions. ClinVar contains an entry for this variant (Variation ID: 1720240).

NM_005219.5(DIAPH1):c.2495A>G (p.Gln832Arg)

Gene: DIAPH1 (diaphanous related formin 1; minus strand). Cytogenetic location: 5q31.3.
Variant type: single nucleotide variant.
Coding change: c.2495A>G on transcript NM_005219.5 (MANE Select); coding-DNA position 2495, A replaced by G.
Protein change: p.Gln832Arg; replaces glutamine 832 with arginine.
Molecular consequence: missense variant.
Genome position (GRCh38, 1-based): chr5:141,534,421, T>C on the plus strand (A>G on the coding strand, the complement: DIAPH1 is on the minus strand). VCF-style: chr5-141534421-T-C. GRCh37 (hg19) VCF-style: chr5-140913988-T-C.
Other names: c.2468A>G, p.Gln823Arg (NM_001079812.3); c.2495A>G, p.Gln832Arg (NM_001314007.2); short protein forms Q823R, Q832R.
Identifiers: ClinVar variation 1720240 (VCV001720240.6), dbSNP rs777132588, ClinGen allele CA3479023.